The following is an entry in ClinVar:

ClinVar aggregate classification (germline): Uncertain significance (1 of 4 stars; one submission).

Allele frequency attached by ClinVar (database versions not stated): TOPMed below 0.00001.

Submission:

GeneDx
Classification: Uncertain significance. Last evaluated: 2023-02-23. Review status: criteria provided, single submitter. Criteria: GeneDx Variant Classification Process June 2021. Collection method: clinical testing. Allele origin: germline. Affected: yes.
Comment: Not observed at significant frequency in large population cohorts (gnomAD); In silico analysis supports that this missense variant has a deleterious effect on protein structure/function; Has not been previously published as pathogenic or benign to our knowledge

NM_198503.5(KCNT2):c.3190G>A (p.Gly1064Ser)

Gene: KCNT2 (potassium sodium-activated channel subfamily T member 2; minus strand). Cytogenetic location: 1q31.3.
Variant type: single nucleotide variant.
Coding change: c.3190G>A on transcript NM_198503.5 (MANE Select); coding-DNA position 3190, G replaced by A.
Protein change: p.Gly1064Ser; replaces glycine 1064 with serine.
Molecular consequence: missense variant. On other transcripts: non-coding transcript variant (2).
Genome position (GRCh38, 1-based): chr1:196,258,215, C>T on the plus strand (G>A on the coding strand, the complement: KCNT2 is on the minus strand). VCF-style: chr1-196258215-C-T. GRCh37 (hg19) VCF-style: chr1-196227345-C-T.
Other names: c.3118G>A, p.Gly1040Ser (NM_001287819.3); c.2989G>A, p.Gly997Ser (NM_001287820.3); short protein forms G1040S, G1064S, G997S.
Identifiers: ClinVar variation 2577639 (VCV002577639.1), dbSNP rs1656687729, ClinGen allele CA343974411.